The following is an entry in ClinVar:

NM_024426.6(WT1):c.112G>T (p.Val38Phe)

Genes: WT1 (WT1 transcription factor; minus strand), LOC107982234 (WT1/WT1-AS bi-directional promoter region; plus strand). Cytogenetic location: 11p13.
Variant type: single nucleotide variant.
Coding change: c.112G>T on transcript NM_024426.6 (MANE Select); coding-DNA position 112, G replaced by T.
Protein change: p.Val38Phe; replaces valine 38 with phenylalanine.
Molecular consequence: missense variant. On other transcripts: non-coding transcript variant (1).
Genome position (GRCh38, 1-based): chr11:32,435,249, C>A on the plus strand (G>T on the coding strand, the complement: WT1 is on the minus strand). VCF-style: chr11-32435249-C-A. GRCh37 (hg19) VCF-style: chr11-32456795-C-A.
Other names: c.112G>T, p.Val38Phe (NM_000378.6, NM_024424.5); short protein forms V38F.
Identifiers: ClinVar variation 1424959 (VCV001424959.8), dbSNP rs1229949294, ClinGen allele CA379966357.
Genomic context (GRCh38, chr11:32,435,249, plus strand): 5'-GACGTTCAGCGCTGGCCTCGGCGGCGCCTAACTTGGCCCAGATGCCGCCCGGGTCCCGGA[C>A]TCCCTGCTGCTCTGGCTGCTGTAGGCACCCAGGCCCGGAGCGGAGCGTGTGCTGAGACGC-3'
Protein context (NP_077744.4, residues 28-48): GCLQQPEQQG[Val38Phe]RDPGGIWAKL

ClinVar aggregate classification (germline): Uncertain significance (1 of 4 stars; one submission).

Conditions:
Frasier syndrome. Identifiers: Orphanet 347, MedGen C0950122, MeSH D052159, MONDO:0007635, OMIM 136680.
Wilms tumor 1 (WT1). Also called: Wilms tumor, somatic. Identifiers: Orphanet 654, MedGen CN033288, MONDO:0008679, OMIM 194070.
11p partial monosomy syndrome (WAGR). Also called: CHROMOSOME 11p13 DELETION SYNDROME; WAGR syndrome; WAGR Complex; WAGR Spectrum Disorder. Identifiers: Orphanet 893, MedGen C0206115, MONDO:0008681, OMIM 194072.
Drash syndrome (DDS). Also called: WILMS TUMOR AND PSEUDO- OR TRUE HERMAPHRODITISM; NEPHROPATHY, WILMS TUMOR, AND GENITAL ANOMALIES. Identifiers: Orphanet 220, MedGen C0950121, MONDO:0008682, OMIM 194080.

Allele frequency attached by ClinVar (database versions not stated): TOPMed 0.00001.

Submission:

Labcorp Genetics (formerly Invitae), Labcorp
Classification: Uncertain significance for Wilms tumor 1; Drash syndrome; 11p partial monosomy syndrome; Frasier syndrome. Last evaluated: 2022-05-04. Review status: criteria provided, single submitter. Criteria: Invitae Variant Classification Sherloc (09022015). Collection method: clinical testing. Allele origin: germline.
Comment: In summary, the available evidence is currently insufficient to determine the role of this variant in disease. Therefore, it has been classified as a Variant of Uncertain Significance. Algorithms developed to predict the effect of missense changes on protein structure and function are either unavailable or do not agree on the potential impact of this missense change (SIFT: "Deleterious"; PolyPhen-2: "Benign"; Align-GVGD: "Class C0"). This variant has not been reported in the literature in individuals affected with WT1-related conditions. This variant is not present in population databases (gnomAD no frequency). This sequence change replaces valine, which is neutral and non-polar, with phenylalanine, which is neutral and non-polar, at codon 33 of the WT1 protein (p.Val33Phe).